The following is an entry in ClinVar:

ClinVar aggregate classification (germline): Uncertain significance (1 of 4 stars; one submission).

Conditions:
Hereditary cancer-predisposing syndrome. Also called: Neoplastic Syndromes, Hereditary; Tumor predisposition; Hereditary Cancer Syndrome; Hereditary neoplastic syndrome. Identifiers: Orphanet 140162, MedGen C0027672, MeSH D009386, MONDO:0015356.

Submission:

Ambry Genetics
Classification: Uncertain significance for Hereditary cancer-predisposing syndrome. Last evaluated: 2021-12-06. Review status: criteria provided, single submitter. Criteria: Ambry Variant Classification Scheme 2023. Collection method: clinical testing. Allele origin: germline.
Comment: The p.M664K variant (also known as c.1991T>A), located in coding exon 5 of the PALB2 gene, results from a T to A substitution at nucleotide position 1991. The methionine at codon 664 is replaced by lysine, an amino acid with similar properties. This amino acid position is conserved. In addition, this alteration is predicted to be tolerated by in silico analysis. Since supporting evidence is limited at this time, the clinical significance of this alteration remains unclear.

NM_024675.4(PALB2):c.1991T>A (p.Met664Lys)

Gene: PALB2 (partner and localizer of BRCA2; minus strand). Cytogenetic location: 16p12.2.
Variant type: single nucleotide variant.
Coding change: c.1991T>A on transcript NM_024675.4 (MANE Select); coding-DNA position 1991, T replaced by A.
Protein change: p.Met664Lys; replaces methionine 664 with lysine.
Molecular consequence: missense variant.
Genome position (GRCh38, 1-based): chr16:23,630,163, A>T on the plus strand (T>A on the coding strand, the complement: PALB2 is on the minus strand). VCF-style: chr16-23630163-A-T. GRCh37 (hg19) VCF-style: chr16-23641484-A-T.
Other names: c.1931T>A, p.Met644Lys (NM_001407296.1); c.1991T>A, p.Met664Lys (NM_001407297.1, NM_001407298.1, NM_001407299.1 and 3 more transcripts); c.1106T>A, p.Met369Lys (NM_001407304.1, NM_001407305.1, NM_001407306.1 and 5 more transcripts); c.203T>A, p.Met68Lys (NM_001407312.1, NM_001407313.1); short protein forms M644K, M664K, M68K, M369K.
Identifiers: ClinVar variation 1783979 (VCV001783979.2), dbSNP rs945657254, ClinGen allele CA395127226.
Genomic context (GRCh38, chr16:23,630,163, plus strand): 5'-GGATGTGATTTTCCTGGTAGAACAATAAGGTCCTCTTCTAAGTCCTCCATTTCTGTATCC[A>T]TGCGTTTAGGACTCAGTTCCTCTGGAAAAATACAGCTTCCCTCTTTAAGATGTCTCTCTC-3'
Protein context (NP_078951.2, residues 654-674): IFPEELSPKR[Met664Lys]DTEMEDLEED